The following is an entry in ClinVar:

ClinVar aggregate classification (germline): Conflicting classifications of pathogenicity. Review status: criteria provided, conflicting classifications (1 of 4 stars). 3 submissions from 3 submitters: Pathogenic (2); Uncertain significance (1). Last evaluated 2025-10-14.

Conditions:
Developmental and epileptic encephalopathy, 9 (DEE9). Also called: EPILEPSY, FEMALE-RESTRICTED, WITH MENTAL RETARDATION; Early infantile epileptic encephalopathy 9; JUBERG-HELLMAN SYNDROME; PCDH19-Related X-Linked Female-Limited Epilepsy with Mental Retardation. Identifiers: Orphanet 101039, Orphanet 2076, MedGen C1848137, MONDO:0010246, OMIM 300088. Disease mechanism: loss of function.
Complex cortical dysplasia with other brain malformations 7. Identifiers: Orphanet 300573, MedGen C3552236, MONDO:0012399, OMIM 610031.

Submissions (3):

Institute of Human Genetics, University of Leipzig Medical Center
Classification: Pathogenic for Developmental and epileptic encephalopathy, 9. Last evaluated: 2025-10-14. Review status: criteria provided, single submitter. Criteria: ACMG Guidelines, 2015. Collection method: clinical testing. Allele origin: unknown. Inheritance: X-linked dominant inheritance. Affected: yes.
Comment: Criteria applied: PVS1,PM2,PS4_SUP

GeneDx
Classification: Pathogenic. Last evaluated: 2024-05-02. Review status: criteria provided, single submitter. Criteria: GeneDx Variant Classification Process June 2021. Collection method: clinical testing. Allele origin: germline. Affected: yes.
Comment: Frameshift variant predicted to result in protein truncation or nonsense mediated decay in a gene for which loss of function is a known mechanism of disease; Not observed at significant frequency in large population cohorts (gnomAD); Has not been previously published as pathogenic or benign to our knowledge

Institute for Medical Genetics and Human Genetics, Charité - Universitätsmedizin Berlin
Classification: Uncertain significance for Complex cortical dysplasia with other brain malformations 7. Review status: criteria provided, single submitter. Criteria: ACMG Guidelines, 2015. Collection method: not provided. Allele origin: germline. Inheritance: Autosomal dominant inheritance. Affected: yes.

NM_001184880.2(PCDH19):c.2261_2262del (p.Glu754fs)

Genes: PCDH19 (protocadherin 19; minus strand), LOC125467768 (CDK7 strongly-dependent group 2 enhancer GRCh37_chrX:99657381-99658580; plus strand). Cytogenetic location: Xq22.1.
Variant type: Microsatellite.
Coding change: c.2261_2262del on transcript NM_001184880.2 (MANE Select); coding-DNA positions 2261 to 2262, 2 bases deleted (AG; older notation c.2261_2262delAG).
Protein change: p.Glu754fs; shifts the reading frame from glutamic acid 754.
Molecular consequence: frameshift variant. On other transcripts: intron variant (2).
Genome position (GRCh38, 1-based): chrX:100,403,550-100,403,551, CT deleted on the plus strand (AG on the coding strand, the reverse complement: PCDH19 is on the minus strand); deleting any 2 consecutive bases within chrX:100,403,550-100,403,553 gives the same sequence; the c. name uses the placement nearest the transcript's 3' end. VCF-style (leftmost placement, unchanged base first): chrX-100403549-CCT-C. GRCh37 (hg19) VCF-style: chrX-99658547-CCT-C.
Other names: c.2261_2262del (NM_001184880.1); c.2148-700_2148-699del (NM_020766.3, NM_001105243.2); short protein forms E754fs.
Identifiers: ClinVar variation 3366293 (VCV003366293.3).